The following is an entry in ClinVar:

NM_001148.6(ANK2):c.9281CAA[1] (p.Thr3095del)

Gene: ANK2 (ankyrin 2; plus strand). Cytogenetic location: 4q26.
Variant type: Microsatellite.
Coding change: c.9281CAA[1] on transcript NM_001148.6 (MANE Select); one copy of the 3-base unit CAA starting at c.9281; the reference has two copies in a row; one copy, 3 bases deleted.
Protein change: p.Thr3095del; deletes threonine 3095.
Molecular consequence: inframe deletion. On other transcripts: intron variant (68).
Genome position (GRCh38, 1-based): chr4:113,357,902-113,357,904, CAA deleted; deleting any 3 consecutive bases within chr4:113,357,899-113,357,904 gives the same sequence; the position shown is the placement nearest the transcript's 3' end. VCF-style (leftmost placement, unchanged base first): chr4-113357898-CCAA-C. GRCh37 (hg19) VCF-style: chr4-114279054-CCAA-C.
Other names: c.9047CAA[1], p.Thr3017del (NM_001386142.1); c.5681CAA[1], p.Thr1895del (NM_001386166.1); c.9422CAA[1], p.Thr3142del (NM_001386174.1); c.9398CAA[1], p.Thr3134del (NM_001386175.1); c.4412-2921_4412-2919del (NM_001386186.2, NM_001386148.2); c.4214-2921_4214-2919del (NM_001354269.3); c.4292-2921_4292-2919del (NM_001386187.2); c.4253-2921_4253-2919del (NM_001386147.1); and 35 more; short protein forms T3095del, T1895del, T3017del, T3134del, T3142del.
Identifiers: ClinVar variation 1492224 (VCV001492224.8), dbSNP rs2095900155, ClinGen allele CA2497087226.

ClinVar aggregate classification (germline): Uncertain significance (1 of 4 stars; one submission).

Conditions:
Long QT syndrome (LQTS). Identifiers: MedGen C0023976, MeSH D008133, MONDO:0002442. Disease mechanism: loss of function. Inheritance: Various modes of inheritance.

Submission:

Labcorp Genetics (formerly Invitae), Labcorp
Classification: Uncertain significance for Long QT syndrome. Last evaluated: 2021-07-16. Review status: criteria provided, single submitter. Criteria: Invitae Variant Classification Sherloc (09022015). Collection method: clinical testing. Allele origin: germline.
Comment: This variant, c.9284_9286del, results in the deletion of 1 amino acid(s) of the ANK2 protein (p.Thr3095del), but otherwise preserves the integrity of the reading frame. In summary, the available evidence is currently insufficient to determine the role of this variant in disease. Therefore, it has been classified as a Variant of Uncertain Significance. Algorithms developed to predict the effect of sequence changes on RNA splicing suggest that this variant may create or strengthen a splice site. This variant has not been reported in the literature in individuals affected with ANK2-related conditions. This variant is not present in population databases (ExAC no frequency).